The following is an entry in ClinVar:

NM_139076.3(ABRAXAS1):c.112A>C (p.Lys38Gln)

Gene: ABRAXAS1 (abraxas 1, BRCA1 A complex subunit; minus strand). Cytogenetic location: 4q21.23.
Variant type: single nucleotide variant.
Coding change: c.112A>C on transcript NM_139076.3 (MANE Select); coding-DNA position 112, A replaced by C.
Protein change: p.Lys38Gln; replaces lysine 38 with glutamine.
Molecular consequence: missense variant. On other transcripts: 5 prime UTR variant (1).
Genome position (GRCh38, 1-based): chr4:83,482,220, T>G on the plus strand (A>C on the coding strand, the complement: ABRAXAS1 is on the minus strand). VCF-style: chr4-83482220-T-G. GRCh37 (hg19) VCF-style: chr4-84403373-T-G.
Other names: c.-149A>C (NM_001345962.2); short protein forms K38Q.
Identifiers: ClinVar variation 1799874 (VCV001799874.2), dbSNP rs2529465404, ClinGen allele CA357263323.

ClinVar aggregate classification (germline): Uncertain significance (1 of 4 stars; one submission).

Submission:

Ambry Genetics
Classification: Uncertain significance. Last evaluated: 2021-08-21. Review status: criteria provided, single submitter. Criteria: Ambry Variant Classification Scheme 2023. Collection method: clinical testing. Allele origin: germline.
Comment: The p.K38Q variant (also known as c.112A>C), located in coding exon 2 of the FAM175A gene, results from an A to C substitution at nucleotide position 112. The lysine at codon 38 is replaced by glutamine, an amino acid with similar properties. This amino acid position is conserved. In addition, this alteration is predicted to be tolerated by in silico analysis. Since supporting evidence is limited at this time, the clinical significance of this alteration remains unclear.